The following is an entry in ClinVar:

NM_001394062.1(MACF1):c.3449+1G>A

Gene: MACF1 (microtubule actin crosslinking factor 1; plus strand). Cytogenetic location: 1p34.3.
Variant type: single nucleotide variant.
Coding change: c.3449+1G>A on transcript NM_001394062.1 (MANE Select); the canonical splice donor site of the intron after coding-DNA position 3449, G replaced by A.
Molecular consequence: splice donor variant.
Genome position (GRCh38, 1-based): chr1:39,315,692, G>A. VCF-style: chr1-39315692-G-A. GRCh37 (hg19) VCF-style: chr1-39781364-G-A.
Other names: c.3464+1G>A (NM_012090.5).
Identifiers: ClinVar variation 2574275 (VCV002574275.1), dbSNP rs2521807063, ClinGen allele CA339782680.

ClinVar aggregate classification (germline): Uncertain significance (1 of 4 stars; one submission).

Submission:

GeneDx
Classification: Uncertain significance. Last evaluated: 2023-01-31. Review status: criteria provided, single submitter. Criteria: GeneDx Variant Classification Process June 2021. Collection method: clinical testing. Allele origin: germline. Affected: yes.
Comment: Not observed at significant frequency in large population cohorts (gnomAD); Canonical splice site variant in a gene or region of a gene for which loss of function is not a well-established mechanism of disease; Has not been previously published as pathogenic or benign to our knowledge